The following is an entry in ClinVar:

NM_000426.4(LAMA2):c.7881T>G (p.His2627Gln)

Gene: LAMA2 (laminin subunit alpha 2; plus strand). Cytogenetic location: 6q22.33.
Variant type: single nucleotide variant.
Coding change: c.7881T>G on transcript NM_000426.4 (MANE Select); coding-DNA position 7881, T replaced by G.
Protein change: p.His2627Gln; replaces histidine 2627 with glutamine.
Molecular consequence: missense variant.
Genome position (GRCh38, 1-based): chr6:129,486,605, T>G. VCF-style: chr6-129486605-T-G. GRCh37 (hg19) VCF-style: chr6-129807750-T-G.
Other names: c.7869T>G, p.His2623Gln (NM_001079823.2); short protein forms H2627Q, H2623Q.
Identifiers: ClinVar variation 38341 (VCV000038341.17), dbSNP rs202247792, ClinGen allele CA342967.
Genomic context (GRCh38, chr6:129,486,605, plus strand): 5'-GAAAATTGTGATCAGACCAGAGCCGAATCTGTTTCATGATGGAAGAGAACATTCCGTTCA[T>G]GTAGAGCGAACTAGAGGGTAACAATAGCACTAAAATATTTATTATTGTAACTCAGGTGAA-3'
Protein context (NP_000417.3, residues 2617-2637): LFHDGREHSV[His2627Gln]VERTRGIFTV

ClinVar aggregate classification (germline): Pathogenic/Likely pathogenic. Review status: criteria provided, multiple submitters, no conflicts (2 of 4 stars). 7 submissions from 7 submitters: Pathogenic (1); Likely pathogenic (3). 3 of the submissions do not count toward it. Last evaluated 2025-08-15.

Conditions:
LAMA2-related muscular dystrophy (LAMA2-RD). Also called: Laminin alpha 2-related dystrophy. Identifiers: MedGen C5679788, MONDO:0100228.
Merosin deficient congenital muscular dystrophy (MDC1A). Also called: Congenital Muscular Dystrophy Type 1A (MDC1A); Congenital merosin-deficient muscular dystrophy 1A. Identifiers: Orphanet 258, MedGen C1263858, MONDO:0011925, OMIM 607855.

gnomAD v4.1: 4 of 1,613,950 alleles (0.00025%); highest among the groups gnomAD compares: South Asian, 0.0044%; no homozygotes.

Submissions (7):

Labcorp Genetics (formerly Invitae), Labcorp
Classification: Pathogenic for LAMA2-related muscular dystrophy. Last evaluated: 2025-08-15. Review status: criteria provided, single submitter. Criteria: Invitae Variant Classification Sherloc (09022015). Collection method: clinical testing. Allele origin: germline.
Comment: This sequence change replaces histidine, which is basic and polar, with glutamine, which is neutral and polar, at codon 2627 of the LAMA2 protein (p.His2627Gln). This variant is not present in population databases (gnomAD no frequency). This missense change has been observed in individual(s) with congenital muscular dystrophy (PMID: 20207543, 28688748). ClinVar contains an entry for this variant (Variation ID: 38341). Invitae Evidence Modeling of protein sequence and biophysical properties (such as structural, functional, and spatial information, amino acid conservation, physicochemical variation, residue mobility, and thermodynamic stability) indicates that this missense variant is not expected to disrupt LAMA2 protein function with a negative predictive value of 95%. Algorithms developed to predict the effect of sequence changes on RNA splicing suggest that this variant may disrupt the consensus splice site. For these reasons, this variant has been classified as Pathogenic.

Women's Health and Genetics/Laboratory Corporation of America, LabCorp
Classification: Likely pathogenic for LAMA2-related muscular dystrophy. Last evaluated: 2023-09-20. Review status: criteria provided, single submitter. Criteria: LabCorp Variant Classification Summary - May 2015. Collection method: clinical testing. Allele origin: germline.
Comment: Variant summary: LAMA2 c.7881T>G (p.His2627Gln) results in a non-conservative amino acid change located in the Laminin G domain (IPR001791) of the encoded protein sequence. Four of five in-silico tools predict a benign effect of the variant on protein function. However, several computational tools predict a significant impact on normal splicing: four predict the variant creates a 5' donor site seventeen nucleotides upstream of the wild-type donor site, potentially leading to a frameshift. However, these predictions have yet to be confirmed by functional studies. The variant was absent in 251070 control chromosomes (gnomAD). c.7881T>G has been reported in the literature in at least seven homozygous individuals from a single family who were affected with Laminin Alpha 2-Related Dystrophy, and all showed absent merosin (e.g., Geranmayeh_2010, Sframeli_2017, Zambon_2020, Bajaj_2022 (no PMID)). These data indicate that the variant is very likely to be associated with disease. To our knowledge, no experimental evidence demonstrating an impact on protein function has been reported. The following publications have been ascertained in the context of this evaluation (PMID: 20207543, 28688748, 32910545). Four submitters have reported clinical-significance assessments for this variant to ClinVar after 2014: three submitters classified the variant as likely pathogenic and one submitter classified the variant as uncertain significance. Based on the evidence outlined above, the variant was classified as likely pathogenic.

Revvity Omics, Revvity
Classification: Likely pathogenic. Last evaluated: 2022-04-20. Review status: criteria provided, single submitter. Criteria: ACMG Guidelines, 2015. Collection method: clinical testing. Allele origin: germline.

Institute of Medical Genetics and Genomics, Sir Ganga Ram Hospital
Classification: Likely pathogenic for Merosin deficient congenital muscular dystrophy. Review status: criteria provided, single submitter. Criteria: ACMG Guidelines, 2015. Collection method: clinical testing. Allele origin: germline. Inheritance: Autosomal recessive inheritance. Affected: yes. Observed: 1 variant allele, 1 homozygote.
Comment: A homozygous 1 base single nucleotide variant (SNV) has been identified in LAMA2 gene. This change is present in coding exon 56 of this gene resulting a nonsynonymous event. This nonsynonymous variants is not present in the gnomAD (aggregated) database [PM2]. In-silico tools (REVEL=0.44) predicts an uncertain nature of this nucleotide change. This variant is submitted in clinvar database [Variation ID: 38341] with a pathogenic/likely pathogenic interpretation by multiple submitters. The identified variant have been reported in 32910545. Based on the available evidences, and phenotypic overlap with the clinical symptoms of the proband, the variant has been clasified as “ Likely Pathogenic”.

Counsyl
Classification: Likely pathogenic for Merosin deficient congenital muscular dystrophy. Last evaluated: 2017-04-17. Review status: no assertion criteria provided. Collection method: clinical testing. Allele origin: unknown. Not counted in ClinVar's aggregate classification.

Foundation for Research in Genetics and Endocrinology, FRIGE's Institute of Human Genetics
Classification: Likely pathogenic for Merosin deficient congenital muscular dystrophy. Last evaluated: 2016-04-05. Review status: no assertion criteria provided. Collection method: clinical testing. Allele origin: germline. Inheritance: Autosomal recessive inheritance. Affected: yes. Observed: 1 variant allele, 1 homozygote. Not counted in ClinVar's aggregate classification.
Comment: The observed variant c.7881T>G (p.H2627Q) is not reported in The 1000 Genomes or ExAC databases. However, it is reported by Geranmayeh et al., 2010. The in silico prediction of the variant is damaging by MutationTaster2, tolerated by SIFT.

GeneReviews
No classification provided. Condition: Merosin deficient congenital muscular dystrophy. Review status: no classification provided. Collection method: literature only. Allele origin: unknown. Not counted in ClinVar's aggregate classification.

Literature cited by the submitters: PubMed 20207543 (cited by 3 submitters); PubMed 28688748 (cited by Labcorp Genetics (formerly Invitae), Labcorp and Women's Health and Genetics/Laboratory Corporation of America, LabCorp); PubMed 32910545 (cited by Women's Health and Genetics/Laboratory Corporation of America, LabCorp and Institute of Medical Genetics and Genomics, Sir Ganga Ram Hospital); PubMed 22675738 (cited by GeneReviews); NCBI Bookshelf NBK97333 (cited by GeneReviews).